The following is an entry in ClinVar:

NM_000321.3(RB1):c.1621A>C (p.Asn541His)

Gene: RB1 (RB transcriptional corepressor 1; plus strand). Cytogenetic location: 13q14.2.
Variant type: single nucleotide variant.
Coding change: c.1621A>C on transcript NM_000321.3 (MANE Select); coding-DNA position 1621, A replaced by C.
Protein change: p.Asn541His; replaces asparagine 541 with histidine.
Molecular consequence: missense variant.
Genome position (GRCh38, 1-based): chr13:48,381,369, A>C. VCF-style: chr13-48381369-A-C. GRCh37 (hg19) VCF-style: chr13-48955505-A-C.
Other names: c.1621A>C, p.Asn541His (NM_001407165.1, NM_001407166.1); short protein forms N541H.
Identifiers: ClinVar variation 4863001 (VCV004863001.1).

ClinVar aggregate classification (germline): Uncertain significance (1 of 4 stars; one submission).

Conditions:
Hereditary cancer-predisposing syndrome. Also called: Neoplastic Syndromes, Hereditary; Tumor predisposition; Hereditary Cancer Syndrome; Hereditary neoplastic syndrome. Identifiers: Orphanet 140162, MedGen C0027672, MeSH D009386, MONDO:0015356.

Submission:

Ambry Genetics
Classification: Uncertain significance for Hereditary cancer-predisposing syndrome. Last evaluated: 2026-03-24. Review status: criteria provided, single submitter. Criteria: Ambry Variant Classification Scheme 2023. Collection method: clinical testing. Allele origin: germline.
Comment: The p.N541H variant (also known as c.1621A>C), located in coding exon 17 of the RB1 gene, results from an A to C substitution at nucleotide position 1621. The asparagine at codon 541 is replaced by histidine, an amino acid with similar properties. This amino acid position is conserved. In addition, this alteration is predicted to be tolerated by in silico analysis. Based on the available evidence, the clinical significance of this variant remains unclear.